The following is an entry in ClinVar:

NM_000426.4(LAMA2):c.1153_1154del (p.Thr385fs)

Gene: LAMA2 (laminin subunit alpha 2; plus strand). Cytogenetic location: 6q22.33.
Variant type: Microsatellite.
Coding change: c.1153_1154del on transcript NM_000426.4 (MANE Select); coding-DNA positions 1153 to 1154, 2 bases deleted (AC; older notation c.1153_1154delAC).
Protein change: p.Thr385fs; shifts the reading frame from threonine 385.
Molecular consequence: frameshift variant.
Genome position (GRCh38, 1-based): chr6:129,154,630-129,154,631, AC deleted; deleting any 2 consecutive bases within chr6:129,154,628-129,154,631 gives the same sequence; the c. name uses the placement nearest the transcript's 3' end. VCF-style (leftmost placement, unchanged base first): chr6-129154627-AAC-A. GRCh37 (hg19) VCF-style: chr6-129475772-AAC-A.
Other names: c.1153_1154del, p.Thr385fs (NM_001079823.2); short protein forms T385fs.
Identifiers: ClinVar variation 2734944 (VCV002734944.3), dbSNP rs2482625294, ClinGen allele CA2695206975.

ClinVar aggregate classification (germline): Pathogenic (1 of 4 stars; one submission).

Conditions:
LAMA2-related muscular dystrophy (LAMA2-RD). Also called: Laminin alpha 2-related dystrophy. Identifiers: MedGen C5679788, MONDO:0100228.

Submission:

Labcorp Genetics (formerly Invitae), Labcorp
Classification: Pathogenic for LAMA2-related muscular dystrophy. Last evaluated: 2023-01-26. Review status: criteria provided, single submitter. Criteria: Invitae Variant Classification Sherloc (09022015). Collection method: clinical testing. Allele origin: germline.
Comment: This premature translational stop signal has been observed in individual(s) with LAMA2-related conditions (PMID: 24611677). This variant is not present in population databases (gnomAD no frequency). This sequence change creates a premature translational stop signal (p.Thr385Cysfs*10) in the LAMA2 gene. It is expected to result in an absent or disrupted protein product. Loss-of-function variants in LAMA2 are known to be pathogenic (PMID: 18700894, 32904964). This variant is also known as c.1151_1152delAC (p.T385Cfs*9). For these reasons, this variant has been classified as Pathogenic.

Literature cited by the submitters: PubMed 24611677; PubMed 18700894; PubMed 32904964.